The following is an entry in ClinVar:

NM_001375524.1(TRRAP):c.4894C>T (p.Arg1632Cys)

Gene: TRRAP (transformation/transcription domain associated protein; plus strand). Cytogenetic location: 7q22.1.
Variant type: single nucleotide variant.
Coding change: c.4894C>T on transcript NM_001375524.1 (MANE Select); coding-DNA position 4894, C replaced by T.
Protein change: p.Arg1632Cys; replaces arginine 1632 with cysteine.
Molecular consequence: missense variant.
Genome position (GRCh38, 1-based): chr7:98,949,522, C>T. VCF-style: chr7-98949522-C-T. GRCh37 (hg19) VCF-style: chr7-98547145-C-T.
Other names: c.4873C>T, p.Arg1625Cys (NM_001244580.2); c.4819C>T, p.Arg1607Cys (NM_003496.4); short protein forms R1607C, R1632C, R1625C.
Identifiers: ClinVar variation 2360175 (VCV002360175.5), dbSNP rs150375708, ClinGen allele CA4360409.
Genomic context (GRCh38, chr7:98,949,522, plus strand): 5'-GCTGCCAACCCCAACAGGTTCATCACCCTGCTGCTGCCGGGGGGTGCCCAGACGGCTGTG[C>T]GCCCCGGTTCGCCCAGCACCAGCACCATGCGCCTGGACCTCCAGTTCCAGGCCATCAAGG-3'
Protein context (NP_001362453.1, residues 1622-1642): LLPGGAQTAV[Arg1632Cys]PGSPSTSTMR

ClinVar aggregate classification (germline): Conflicting classifications of pathogenicity. Review status: criteria provided, conflicting classifications (1 of 4 stars). 2 submissions from 2 submitters: Uncertain significance (1); Likely benign (1). Last evaluated 2024-07-10.

Conditions:
Inborn genetic diseases. Identifiers: MedGen C0950123, MeSH D030342.

Allele frequency attached by ClinVar (database versions not stated): ExAC 0.00003; gnomAD exomes 0.00003; TOPMed 0.00004; gnomAD 0.00007; ESP Exome Variant Server 0.00008.
gnomAD v4.1: 47 of 1,604,826 alleles (0.0029%); highest among the groups gnomAD compares: African/African-American, 0.015%; no homozygotes.

Submissions (2):

Labcorp Genetics (formerly Invitae), Labcorp
Classification: Uncertain significance. Last evaluated: 2024-07-10. Review status: criteria provided, single submitter. Criteria: Invitae Variant Classification Sherloc (09022015). Collection method: clinical testing. Allele origin: germline.
Comment: This sequence change replaces arginine, which is basic and polar, with cysteine, which is neutral and slightly polar, at codon 1607 of the TRRAP protein (p.Arg1607Cys). This variant is present in population databases (rs150375708, gnomAD 0.02%). This variant has not been reported in the literature in individuals affected with TRRAP-related conditions. This missense change has been observed in at least one individual who was not affected with TRRAP-related conditions (Invitae). ClinVar contains an entry for this variant (Variation ID: 2360175). An algorithm developed to predict the effect of missense changes on protein structure and function (PolyPhen-2) suggests that this variant is likely to be disruptive. In summary, the available evidence is currently insufficient to determine the role of this variant in disease. Therefore, it has been classified as a Variant of Uncertain Significance.

Ambry Genetics
Classification: Likely benign for Inborn genetic diseases. Last evaluated: 2021-09-15. Review status: criteria provided, single submitter. Criteria: Ambry Variant Classification Scheme 2023. Collection method: clinical testing. Allele origin: germline.